The following is an entry in ClinVar:

NM_001903.5(CTNNA1):c.1845C>G (p.Ser615=)

Gene: CTNNA1 (catenin alpha 1; plus strand). Cytogenetic location: 5q31.2.
Variant type: single nucleotide variant.
Coding change: c.1845C>G on transcript NM_001903.5 (MANE Select); coding-DNA position 1845, C replaced by G.
Protein change: p.Ser615=; no amino-acid change (serine 615 retained).
Molecular consequence: synonymous variant.
Genome position (GRCh38, 1-based): chr5:138,925,353, C>G. VCF-style: chr5-138925353-C-G. GRCh37 (hg19) VCF-style: chr5-138261042-C-G.
Other names: c.1845C>G, p.Ser615= (NM_001290307.3, NM_001323982.2, NM_001323983.1 and 2 more transcripts); c.1536C>G, p.Ser512= (NM_001290309.3); c.1476C>G, p.Ser492= (NM_001290310.3); c.1845C>G (NM_001903.2); c.735C>G, p.Ser245= (NM_001290312.1, NM_001323987.1, NM_001323988.1 and 17 more transcripts); c.1752C>G, p.Ser584= (NM_001323986.2); c.396C>G, p.Ser132= (NM_001324006.1, NM_001324007.1, NM_001324008.1 and 2 more transcripts); c.642C>G, p.Ser214= (NM_001324011.1); and 1 more.
Identifiers: ClinVar variation 1149608 (VCV001149608.11), dbSNP rs150965493, ClinGen allele CA446597396.

ClinVar aggregate classification (germline): Benign/Likely benign. Review status: criteria provided, multiple submitters, no conflicts (2 of 4 stars). 3 submissions from 3 submitters: Benign (1); Likely benign (2). Last evaluated 2024-12-16.

Conditions:
Hereditary diffuse gastric adenocarcinoma (HDGC). Also called: DIFFUSE GASTRIC AND LOBULAR BREAST CANCER SYNDROME. Identifiers: Orphanet 26106, MedGen C1708349, MONDO:0007648, OMIM 137215.
Hereditary cancer-predisposing syndrome. Also called: Hereditary Cancer Syndrome; Hereditary neoplastic syndrome; Neoplastic Syndromes, Hereditary; Tumor predisposition. Identifiers: Orphanet 140162, MedGen C0027672, MeSH D009386, MONDO:0015356.

gnomAD v4.1: 1 of 1,614,156 alleles (0.000062%); highest among the groups gnomAD compares: African/African-American, 0.0013%; no homozygotes.

Submissions (3):

Labcorp Genetics (formerly Invitae), Labcorp
Classification: Likely benign. Last evaluated: 2024-12-16. Review status: criteria provided, single submitter. Criteria: Invitae Variant Classification Sherloc (09022015). Collection method: clinical testing. Allele origin: germline.

Ambry Genetics
Classification: Likely benign for Hereditary cancer-predisposing syndrome. Last evaluated: 2024-10-14. Review status: criteria provided, single submitter. Criteria: Ambry Variant Classification Scheme 2023. Collection method: clinical testing. Allele origin: germline.

Myriad Genetics, Inc.
Classification: Benign for Hereditary diffuse gastric adenocarcinoma. Last evaluated: 2024-10-14. Review status: criteria provided, single submitter. Criteria: Myriad Autosomal Dominant, Autosomal Recessive and X-Linked Classification Criteria (2023). Collection method: clinical testing. Allele origin: unknown.
Comment: This variant is considered benign. This variant is a silent/synonymous amino acid change and it is not expected to impact splicing.